The following is an entry in ClinVar:

ClinVar aggregate classification (germline): Uncertain significance. Review status: criteria provided, multiple submitters, no conflicts (2 of 4 stars). 2 submissions from 2 submitters: Uncertain significance (2). Last evaluated 2025-05-19.

Conditions:
Left ventricular noncompaction 8 (LVNC8). Identifiers: Orphanet 154, Orphanet 54260, MedGen C3809288, MONDO:0014152, OMIM 615373.

Allele frequency attached by ClinVar (database versions not stated): gnomAD exomes 0.00001; gnomAD 0.00002.
gnomAD v4.1: 10 of 1,612,262 alleles (0.00062%); highest among the groups gnomAD compares: African/African-American, 0.008%; no homozygotes.

Submissions (2):

Labcorp Genetics (formerly Invitae), Labcorp
Classification: Uncertain significance for Left ventricular noncompaction 8. Last evaluated: 2025-05-19. Review status: criteria provided, single submitter. Criteria: Invitae Variant Classification Sherloc (09022015). Collection method: clinical testing. Allele origin: germline.
Comment: This sequence change replaces histidine, which is basic and polar, with asparagine, which is neutral and polar, at codon 927 of the PRDM16 protein (p.His927Asn). The frequency data for this variant in the population databases is considered unreliable, as metrics indicate poor data quality at this position in the gnomAD database. This variant has not been reported in the literature in individuals affected with PRDM16-related conditions. ClinVar contains an entry for this variant (Variation ID: 1026659). An algorithm developed to predict the effect of missense changes on protein structure and function (PolyPhen-2) suggests that this variant is likely to be tolerated. In summary, the available evidence is currently insufficient to determine the role of this variant in disease. Therefore, it has been classified as a Variant of Uncertain Significance.

GeneDx
Classification: Uncertain significance. Last evaluated: 2020-02-03. Review status: criteria provided, single submitter. Criteria: GeneDx Variant Classification Process June 2021. Collection method: clinical testing. Allele origin: germline. Affected: yes.
Comment: Has not been previously published as pathogenic or benign to our knowledge; Not observed at a significant frequency in large population cohorts (Lek et al., 2016); In silico analysis supports that this missense variant has a deleterious effect on protein structure/function

NM_022114.4(PRDM16):c.2779C>A (p.His927Asn)

Gene: PRDM16 (PR/SET domain 16; plus strand). Cytogenetic location: 1p36.32.
Variant type: single nucleotide variant.
Coding change: c.2779C>A on transcript NM_022114.4 (MANE Select); coding-DNA position 2779, C replaced by A.
Protein change: p.His927Asn; replaces histidine 927 with asparagine.
Molecular consequence: missense variant.
Genome position (GRCh38, 1-based): chr1:3,417,915, C>A. VCF-style: chr1-3417915-C-A. GRCh37 (hg19) VCF-style: chr1-3334479-C-A.
Other names: c.2779C>A, p.His927Asn (NM_199454.3); short protein forms H927N.
Identifiers: ClinVar variation 1026659 (VCV001026659.10), dbSNP rs1043747428, ClinGen allele CA16974442.